The following is an entry in ClinVar:

NC_000019.9:g.(?_49713446)_(50413064_?)dup

Genes: AKT1S1 (AKT1 substrate 1; minus strand), CD37 (CD37 molecule; plus strand), PTH2 (parathyroid hormone 2; minus strand), PRRG2 (proline rich and Gla domain 2; plus strand), FCGRT (Fc gamma receptor and transporter; plus strand) and 32 more. Cytogenetic location: 19q13.33.
Variant type: Duplication.
Identifiers: ClinVar variation 3248486 (VCV003248486.1).

ClinVar aggregate classification (germline): Uncertain significance (1 of 4 stars; one submission).

Conditions:
Developmental and epileptic encephalopathy, 12 (DEE12). Identifiers: MedGen C3150988, MONDO:0013389, OMIM 613722.

Submission:

Labcorp Genetics (formerly Invitae), Labcorp
Classification: Uncertain significance for Developmental and epileptic encephalopathy, 12. Last evaluated: 2023-10-03. Review status: criteria provided, single submitter. Criteria: Invitae Variant Classification Sherloc (09022015). Collection method: clinical testing. Allele origin: unknown.
Comment: A copy number gain of the genomic region encompassing the full coding sequence of the PNKP gene has been identified. The boundaries of this event are unknown as they extend beyond the assayed region for this gene and therefore may encompass additional genes. As the precise location of this event is unknown, it may be in tandem or it may be located elsewhere in the genome. This variant has not been reported in the literature in individuals affected with PNKP-related conditions. Experimental studies and prediction algorithms are not available or were not evaluated, and the functional significance of this variant is currently unknown. In summary, the available evidence is currently insufficient to determine the role of this variant in disease. Therefore, it has been classified as a Variant of Uncertain Significance.